The following is an entry in ClinVar:

ClinVar aggregate classification (germline): Uncertain significance (1 of 4 stars; one submission).

Conditions:
Vici syndrome (VICIS). Identifiers: Orphanet 1493, MedGen C1855772, MONDO:0009452, OMIM 242840.

Allele frequency attached by ClinVar (database versions not stated): gnomAD exomes below 0.00001 and 0.00001; gnomAD 0.00001; TOPMed 0.00001.
gnomAD v4.1: 3 of 1,614,106 alleles (0.00019%); highest among the groups gnomAD compares: Admixed American, 0.0033%; no homozygotes.

Submission:

Labcorp Genetics (formerly Invitae), Labcorp
Classification: Uncertain significance for Vici syndrome. Last evaluated: 2024-11-05. Review status: criteria provided, single submitter. Criteria: Invitae Variant Classification Sherloc (09022015). Collection method: clinical testing. Allele origin: germline.
Comment: This sequence change replaces isoleucine, which is neutral and non-polar, with threonine, which is neutral and polar, at codon 2296 of the EPG5 protein (p.Ile2296Thr). This variant is present in population databases (no rsID available, gnomAD 0.006%). This variant has not been reported in the literature in individuals affected with EPG5-related conditions. ClinVar contains an entry for this variant (Variation ID: 1476582). Invitae Evidence Modeling of protein sequence and biophysical properties (such as structural, functional, and spatial information, amino acid conservation, physicochemical variation, residue mobility, and thermodynamic stability) indicates that this missense variant is not expected to disrupt EPG5 protein function with a negative predictive value of 80%. In summary, the available evidence is currently insufficient to determine the role of this variant in disease. Therefore, it has been classified as a Variant of Uncertain Significance.

NM_020964.3(EPG5):c.6887T>C (p.Ile2296Thr)

Gene: EPG5 (ectopic P-granules 5 autophagy tethering factor; minus strand). Cytogenetic location: 18q12.3.
Variant type: single nucleotide variant.
Coding change: c.6887T>C on transcript NM_020964.3 (MANE Select); coding-DNA position 6887, T replaced by C.
Protein change: p.Ile2296Thr; replaces isoleucine 2296 with threonine.
Molecular consequence: missense variant.
Genome position (GRCh38, 1-based): chr18:45,860,226, A>G on the plus strand (T>C on the coding strand, the complement: EPG5 is on the minus strand). VCF-style: chr18-45860226-A-G. GRCh37 (hg19) VCF-style: chr18-43440191-A-G.
Other names: short protein forms I2296T.
Identifiers: ClinVar variation 1476582 (VCV001476582.9), dbSNP rs921995592, ClinGen allele CA299694346.
Genomic context (GRCh38, chr18:45,860,226, plus strand): 5'-AGGCTCTGGCAGGCTGCTGTTAAAAGGGGCAGCACCACCAGCCCATGCATTTTTTGGCCA[A>G]TCCAGGTCCGGATACTGCCCCGAAGGAACTCTGCTGTTGGAATAGTCGCGTTGTTCATCA-3'
Protein context (NP_066015.2, residues 2286-2306): EFLRGSIRTW[Ile2296Thr]GQKMHGLVVL